The following is an entry in ClinVar:

ClinVar aggregate classification (germline): Uncertain significance. Review status: criteria provided, multiple submitters, no conflicts (2 of 4 stars). 2 submissions from 2 submitters: Uncertain significance (2). Last evaluated 2024-02-20.

Conditions:
DICER1-related tumor predisposition. Also called: DICER1 syndrome; DICER1-related pleuropulmonary blastoma cancer predisposition syndrome. Identifiers: Orphanet 284343, MedGen C3839822, MONDO:0100216.
Hereditary cancer-predisposing syndrome. Also called: Hereditary Cancer Syndrome; Neoplastic Syndromes, Hereditary; Hereditary neoplastic syndrome; Tumor predisposition. Identifiers: Orphanet 140162, MedGen C0027672, MeSH D009386, MONDO:0015356.

Allele frequency attached by ClinVar (database versions not stated): gnomAD exomes below 0.00001.

Submissions (2):

Ambry Genetics
Classification: Uncertain significance for Hereditary cancer-predisposing syndrome. Last evaluated: 2024-02-20. Review status: criteria provided, single submitter. Criteria: Ambry Variant Classification Scheme 2023. Collection method: clinical testing. Allele origin: germline.
Comment: The p.S1628R variant (also known as c.4882A>C), located in coding exon 22 of the DICER1 gene, results from an A to C substitution at nucleotide position 4882. The serine at codon 1628 is replaced by arginine, an amino acid with dissimilar properties. This amino acid position is conserved. In addition, this alteration is predicted to be tolerated by in silico analysis. Based on the available evidence, the clinical significance of this alteration remains unclear.

Labcorp Genetics (formerly Invitae), Labcorp
Classification: Uncertain significance for DICER1-related tumor predisposition. Last evaluated: 2022-04-06. Review status: criteria provided, single submitter. Criteria: Invitae Variant Classification Sherloc (09022015). Collection method: clinical testing. Allele origin: germline.
Comment: In summary, the available evidence is currently insufficient to determine the role of this variant in disease. Therefore, it has been classified as a Variant of Uncertain Significance. Algorithms developed to predict the effect of missense changes on protein structure and function (SIFT, PolyPhen-2, Align-GVGD) all suggest that this variant is likely to be tolerated. This variant has not been reported in the literature in individuals affected with DICER1-related conditions. This variant is not present in population databases (gnomAD no frequency). This sequence change replaces serine, which is neutral and polar, with arginine, which is basic and polar, at codon 1628 of the DICER1 protein (p.Ser1628Arg).

NM_177438.3(DICER1):c.4882A>C (p.Ser1628Arg)

Gene: DICER1 (dicer 1, ribonuclease III; minus strand). Cytogenetic location: 14q32.13.
Variant type: single nucleotide variant.
Coding change: c.4882A>C on transcript NM_177438.3 (MANE Select); coding-DNA position 4882, A replaced by C.
Protein change: p.Ser1628Arg; replaces serine 1628 with arginine.
Molecular consequence: missense variant. On other transcripts: non-coding transcript variant (6).
Genome position (GRCh38, 1-based): chr14:95,096,038, T>G on the plus strand (A>C on the coding strand, the complement: DICER1 is on the minus strand). VCF-style: chr14-95096038-T-G. GRCh37 (hg19) VCF-style: chr14-95562375-T-G.
Other names: c.4882A>C, p.Ser1628Arg (NM_001195573.1, NM_001271282.3, NM_001291628.2 and 13 more transcripts); c.4600A>C, p.Ser1534Arg (NM_001395686.1); c.4477A>C, p.Ser1493Arg (NM_001395687.1, NM_001395688.1, NM_001395689.1 and 2 more transcripts); c.4315A>C, p.Ser1439Arg (NM_001395691.1); c.3199A>C, p.Ser1067Arg (NM_001395697.1); short protein forms S1439R, S1493R, S1067R, S1534R, S1628R.
Identifiers: ClinVar variation 1991542 (VCV001991542.5), dbSNP rs748079162, ClinGen allele CA390866525.